The following is an entry in ClinVar:

NM_016592.5(GNAS):c.531C>G (p.Arg177=)

Genes: GNAS (GNAS complex locus; plus strand), GNAS-AS1 (GNAS antisense RNA 1; minus strand). Cytogenetic location: 20q13.32.
Variant type: single nucleotide variant.
Coding change: c.531C>G on transcript NM_016592.5 (MANE Plus Clinical); coding-DNA position 531, C replaced by G.
Protein change: p.Arg177=; no amino-acid change (arginine 177 retained).
Molecular consequence: synonymous variant. On other transcripts: 5 prime UTR variant (1).
Genome position (GRCh38, 1-based): chr20:58,840,637, C>G. VCF-style: chr20-58840637-C-G. GRCh37 (hg19) VCF-style: chr20-57415692-C-G.
Other names: c.-207C>G (NM_001410912.1).
Identifiers: ClinVar variation 2672880 (VCV002672880.22), dbSNP rs756503903, ClinGen allele CA511315922.
Genomic context (GRCh38, chr20:58,840,637, plus strand): 5'-GTCCCTCACCCAGCGTCTGCACGCTCTCAAGTTGCGAAGCCCCGACGCCTCCCCAAGTCG[C>G]GCGCCGCCCAGCACTCAGGAGCCCCAGAGCCCCAGGGAAGGGGAGGAGCTCAAGCCCGAG-3'
Protein context (NP_057676.1, residues 167-187): KLRSPDASPS[Arg177=]APPSTQEPQS

ClinVar aggregate classification (germline): Likely benign. Review status: criteria provided, multiple submitters, no conflicts (2 of 4 stars). 2 submissions from 2 submitters: Likely benign (2). Last evaluated 2025-04-09.

Conditions:
GNAS-related disorder. Identifiers: MedGen CN380105.

Allele frequency attached by ClinVar (database versions not stated): gnomAD 0.00001.
gnomAD v4.1: 4 of 1,606,080 alleles (0.00025%); highest among the groups gnomAD compares: Non-Finnish European, 0.00034%; no homozygotes.

Submissions (2):

PreventionGenetics, part of Exact Sciences
Classification: Likely benign for GNAS-related condition. Last evaluated: 2025-04-09. Review status: criteria provided, single submitter. Criteria: ACMG Guidelines, 2015. Collection method: clinical testing. Allele origin: germline.
Comment: This variant is classified as likely benign based on ACMG/AMP sequence variant interpretation guidelines (Richards et al. 2015 PMID: 25741868, with internal and published modifications).

CeGaT Center for Human Genetics Tuebingen
Classification: Likely benign. Last evaluated: 2023-11-01. Review status: criteria provided, single submitter. Criteria: CeGaT Center For Human Genetics Tuebingen Variant Classification Criteria Version 2. Collection method: clinical testing. Allele origin: germline. Affected: yes. Observed: 1 variant allele.
Comment: GNAS: BP4, BP7